The following is an entry in ClinVar:

ClinVar aggregate classification (germline): Uncertain significance. Review status: criteria provided, multiple submitters, no conflicts (2 of 4 stars). 2 submissions from 2 submitters: Uncertain significance (2). Last evaluated 2024-10-16.

Conditions:
Bethlem myopathy 1A. Also called: Bethlem myopathy 1; MYOPATHY, BENIGN CONGENITAL, WITH CONTRACTURES; Bethlem Muscular Dystrophy. Identifiers: Orphanet 610, MedGen CN029274, MONDO:0024530, OMIM 158810.

Submissions (2):

Labcorp Genetics (formerly Invitae), Labcorp
Classification: Uncertain significance for Bethlem myopathy 1A. Last evaluated: 2024-10-16. Review status: criteria provided, single submitter. Criteria: Invitae Variant Classification Sherloc (09022015). Collection method: clinical testing. Allele origin: germline.
Comment: This sequence change replaces glycine, which is neutral and non-polar, with aspartic acid, which is acidic and polar, at codon 534 of the COL6A2 protein (p.Gly534Asp). This variant is not present in population databases (gnomAD no frequency). This variant has not been reported in the literature in individuals affected with COL6A2-related conditions. Invitae Evidence Modeling of protein sequence and biophysical properties (such as structural, functional, and spatial information, amino acid conservation, physicochemical variation, residue mobility, and thermodynamic stability) indicates that this missense variant is expected to disrupt COL6A2 protein function with a positive predictive value of 80%. This variant disrupts the triple helix domain of COL6A2. Glycine residues within the Gly-Xaa-Yaa repeats of the triple helix domain are required for the structure and stability of fibrillar collagens (PMID: 7695699, 8218237, 19344236). In COL6A2, missense variants at these glycine residues are significantly enriched in individuals with autosomal dominant disease (PMID: 15689448, 24038877) compared to the general population (ExAC). In summary, the available evidence is currently insufficient to determine the role of this variant in disease. Therefore, it has been classified as a Variant of Uncertain Significance.

Blueprint Genetics
Classification: Uncertain significance. Last evaluated: 2022-11-08. Review status: criteria provided, single submitter. Criteria: ACMG Guidelines, 2015. Collection method: clinical testing. Allele origin: germline.

Literature cited by the submitters: PubMed 7695699 (cited by Labcorp Genetics (formerly Invitae), Labcorp); PubMed 8218237 (cited by Labcorp Genetics (formerly Invitae), Labcorp); PubMed 19344236 (cited by Labcorp Genetics (formerly Invitae), Labcorp); PubMed 15689448 (cited by Labcorp Genetics (formerly Invitae), Labcorp); PubMed 24038877 (cited by Labcorp Genetics (formerly Invitae), Labcorp).

NM_001849.4(COL6A2):c.1601G>A (p.Gly534Asp)

Gene: COL6A2 (collagen type VI alpha 2 chain; plus strand). Cytogenetic location: 21q22.3.
Variant type: single nucleotide variant.
Coding change: c.1601G>A on transcript NM_001849.4 (MANE Select); coding-DNA position 1601, G replaced by A.
Protein change: p.Gly534Asp; replaces glycine 534 with aspartic acid.
Molecular consequence: missense variant.
Genome position (GRCh38, 1-based): chr21:46,122,524, G>A. VCF-style: chr21-46122524-G-A. GRCh37 (hg19) VCF-style: chr21-47542438-G-A.
Other names: c.1601G>A, p.Gly534Asp (NM_058174.3, NM_058175.3); short protein forms G534D.
Identifiers: ClinVar variation 3665633 (VCV003665633.3).